The following is an entry in ClinVar:

ClinVar aggregate classification (germline): Uncertain significance (1 of 4 stars; one submission).

Conditions:
Hereditary pancreatitis (PCTT). Also called: Hereditary chronic pancreatitis; PRSS1-Related Hereditary Pancreatitis. Identifiers: Orphanet 676, MedGen C0238339, MONDO:0008185, OMIM 167800.

Submission:

Ambry Genetics
Classification: Uncertain significance for Hereditary pancreatitis. Last evaluated: 2025-10-30. Review status: criteria provided, single submitter. Criteria: Ambry Variant Classification Scheme 2023. Collection method: clinical testing. Allele origin: germline.
Comment: The p.T176P variant (also known as c.526A>C), located in coding exon 5 of the CPA1 gene, results from an A to C substitution at nucleotide position 526. The threonine at codon 176 is replaced by proline, an amino acid with highly similar properties. This amino acid position is conserved. In addition, the in silico prediction for this alteration is inconclusive. Since supporting evidence is limited at this time, the clinical significance of this alteration remains unclear.

NM_001868.4(CPA1):c.526A>C (p.Thr176Pro)

Gene: CPA1 (carboxypeptidase A1; plus strand). Cytogenetic location: 7q32.2.
Variant type: single nucleotide variant.
Coding change: c.526A>C on transcript NM_001868.4 (MANE Select); coding-DNA position 526, A replaced by C.
Protein change: p.Thr176Pro; replaces threonine 176 with proline.
Molecular consequence: missense variant.
Genome position (GRCh38, 1-based): chr7:130,383,433, A>C. VCF-style: chr7-130383433-A-C. GRCh37 (hg19) VCF-style: chr7-130023274-A-C.
Other names: short protein forms T176P.
Identifiers: ClinVar variation 1746480 (VCV001746480.3), dbSNP rs1554411492, ClinGen allele CA369282263.